The following is an entry in ClinVar:

NM_000334.4(SCN4A):c.4052C>T (p.Thr1351Met)

Genes: GH-LCR (growth hormone locus control region; plus strand), SCN4A (sodium voltage-gated channel alpha subunit 4; minus strand). Cytogenetic location: 17q23.3.
Variant type: single nucleotide variant.
Coding change: c.4052C>T on transcript NM_000334.4 (MANE Select); coding-DNA position 4052, C replaced by T.
Protein change: p.Thr1351Met; replaces threonine 1351 with methionine.
Molecular consequence: missense variant.
Genome position (GRCh38, 1-based): chr17:63,943,062, G>A on the plus strand (C>T on the coding strand, the complement: SCN4A is on the minus strand). VCF-style: chr17-63943062-G-A. GRCh37 (hg19) VCF-style: chr17-62020422-G-A.
Other names: short protein forms T1351M.
Identifiers: ClinVar variation 324520 (VCV000324520.15), dbSNP rs545724550, ClinGen allele CA8709062.

ClinVar aggregate classification (germline): Conflicting classifications of pathogenicity. Review status: criteria provided, conflicting classifications (1 of 4 stars). 9 submissions from 5 submitters: Uncertain significance (5); Likely benign (4). Last evaluated 2024-12-26.

Conditions:
Inborn genetic diseases. Identifiers: MedGen C0950123, MeSH D030342.
Congenital myasthenic syndrome 16. Identifiers: Orphanet 590, MedGen C3280112, MONDO:0013620, OMIM 614198.
Paramyotonia congenita of Von Eulenburg. Also called: Paramyotonia Congenita; PARALYSIS PERIODICA PARAMYOTONICA; Eulenburg disease; Myotonia congenita intermittens; Von Eulenburg paramyotonia congenita. Identifiers: Orphanet 684, MedGen C0221055, MONDO:0008195, OMIM 168300. Disease mechanism: loss of function.
Hyperkalemic periodic paralysis. Also called: Familial hyperkalemic periodic paralysis; Gamstorp disease. Identifiers: Orphanet 682, MedGen C0238357, MONDO:0008224, OMIM 170500, HP:0007215.
Potassium-aggravated myotonia. Also called: Myotonia congenita, atypical, acetazolamide-responsive; MYOTONIA CONGENITA, ACETAZOLAMIDE-RESPONSIVE; MYOTONIA CONGENITA, ATYPICAL; SODIUM CHANNEL MUSCLE DISEASE. Identifiers: Orphanet 612, Orphanet 99734, Orphanet 99735, Orphanet 99736, MedGen C2931826, MONDO:0018959, OMIM 608390.
Hypokalemic periodic paralysis, type 2 (HOKPP2). Identifiers: Orphanet 681, MedGen C2750061, MONDO:0013234, OMIM 613345.

Allele frequency attached by ClinVar (database versions not stated): gnomAD exomes 0.00004 and 0.00002; ExAC 0.00005; TOPMed 0.00003; gnomAD 0.00002.
gnomAD v4.1: 39 of 1,613,668 alleles (0.0024%); highest among the groups gnomAD compares: Middle Eastern, 0.016%; no homozygotes.

Submissions (9):

Revvity Omics, Revvity
Classification: Uncertain significance. Last evaluated: 2024-12-26. Review status: criteria provided, single submitter. Criteria: ACMG Guidelines, 2015. Collection method: clinical testing. Allele origin: germline.

Labcorp Genetics (formerly Invitae), Labcorp
Classification: Uncertain significance for Hyperkalemic periodic paralysis. Last evaluated: 2024-10-18. Review status: criteria provided, single submitter. Criteria: Invitae Variant Classification Sherloc (09022015). Collection method: clinical testing. Allele origin: germline.
Comment: This sequence change replaces threonine, which is neutral and polar, with methionine, which is neutral and non-polar, at codon 1351 of the SCN4A protein (p.Thr1351Met). This variant is present in population databases (rs545724550, gnomAD 0.01%). This variant has not been reported in the literature in individuals affected with SCN4A-related conditions. ClinVar contains an entry for this variant (Variation ID: 324520). Invitae Evidence Modeling of protein sequence and biophysical properties (such as structural, functional, and spatial information, amino acid conservation, physicochemical variation, residue mobility, and thermodynamic stability) indicates that this missense variant is not expected to disrupt SCN4A protein function with a negative predictive value of 95%. In summary, the available evidence is currently insufficient to determine the role of this variant in disease. Therefore, it has been classified as a Variant of Uncertain Significance.

Ambry Genetics
Classification: Uncertain significance for Inborn genetic diseases. Last evaluated: 2022-05-26. Review status: criteria provided, single submitter. Criteria: Ambry Variant Classification Scheme 2023. Collection method: clinical testing. Allele origin: germline.

Athena Diagnostics
Classification: Uncertain significance. Last evaluated: 2018-05-15. Review status: criteria provided, single submitter. Criteria: Athena Diagnostics Criteria. Collection method: clinical testing. Allele origin: germline.

Illumina Laboratory Services, Illumina
Classification: Likely benign for Hyperkalemic periodic paralysis. Last evaluated: 2018-01-12. Review status: criteria provided, single submitter. Criteria: ICSL Variant Classification Criteria 13 December 2019. Collection method: clinical testing. Allele origin: germline.
Comment: This variant was observed in the ICSL laboratory as part of a predisposition screen in an ostensibly healthy population. It had not been previously curated by ICSL or reported in the Human Gene Mutation Database (HGMD: prior to June 1st, 2018), and was therefore a candidate for classification through an automated scoring system. Utilizing variant allele frequency, disease prevalence and penetrance estimates, and inheritance mode, an automated score was calculated to assess if this variant is too frequent to cause the disease. Based on the score and internal cut-off values, a variant classified as likely benign is not then subjected to further curation. The score for this variant resulted in a classification of likely benign for this disease.

Illumina Laboratory Services, Illumina
Classification: Likely benign for Paramyotonia congenita of Von Eulenburg. Last evaluated: 2018-01-12. Review status: criteria provided, single submitter. Criteria: ICSL Variant Classification Criteria 13 December 2019. Collection method: clinical testing. Allele origin: germline.
Comment: the same text as in the submission from Illumina Laboratory Services, Illumina above.

Illumina Laboratory Services, Illumina
Classification: Uncertain significance for Congenital myasthenic syndrome 16. Last evaluated: 2018-01-12. Review status: criteria provided, single submitter. Criteria: ICSL Variant Classification Criteria 13 December 2019. Collection method: clinical testing. Allele origin: germline.

Illumina Laboratory Services, Illumina
Classification: Likely benign for Hypokalemic periodic paralysis, type 2. Last evaluated: 2018-01-12. Review status: criteria provided, single submitter. Criteria: ICSL Variant Classification Criteria 13 December 2019. Collection method: clinical testing. Allele origin: germline.
Comment: the same text as in the submission from Illumina Laboratory Services, Illumina above.

Illumina Laboratory Services, Illumina
Classification: Likely benign for Potassium-aggravated myotonia. Last evaluated: 2018-01-12. Review status: criteria provided, single submitter. Criteria: ICSL Variant Classification Criteria 13 December 2019. Collection method: clinical testing. Allele origin: germline.
Comment: the same text as in the submission from Illumina Laboratory Services, Illumina above.